The following is an entry in ClinVar:

NM_015040.4(PIKFYVE):c.2993C>G (p.Thr998Ser)

Gene: PIKFYVE (phosphoinositide kinase, FYVE-type zinc finger containing; plus strand). Cytogenetic location: 2q34.
Variant type: single nucleotide variant.
Coding change: c.2993C>G on transcript NM_015040.4 (MANE Select); coding-DNA position 2993, C replaced by G.
Protein change: p.Thr998Ser; replaces threonine 998 with serine.
Molecular consequence: missense variant.
Genome position (GRCh38, 1-based): chr2:208,325,804, C>G. VCF-style: chr2-208325804-C-G. GRCh37 (hg19) VCF-style: chr2-209190528-C-G.
Other names: short protein forms T998S.
Identifiers: ClinVar variation 333910 (VCV000333910.15), dbSNP rs893253, ClinGen allele CA2079972.

ClinVar aggregate classification (germline): Benign. Review status: criteria provided, multiple submitters, no conflicts (2 of 4 stars). 5 submissions from 5 submitters: Benign (5). Last evaluated 2026-02-01.

Conditions:
Fleck corneal dystrophy (CFD). Also called: CORNEAL DYSTROPHY, FRANCOIS-NEETENS SPECKLED OR FLECKED. Identifiers: Orphanet 98970, MedGen C1562113, MONDO:0007376, OMIM 121850.

Allele frequency attached by ClinVar (database versions not stated): 1000 Genomes Project 30x 0.91084; 1000 Genomes Project 0.91214; TOPMed 0.92281; ESP Exome Variant Server 0.92311; gnomAD 0.92807 and 0.93013; ExAC 0.96006; gnomAD exomes 0.96475 and 0.97679.
gnomAD v4.1: 1,568,910 of 1,613,816 alleles (97%); highest among the groups gnomAD compares: Non-Finnish European, 98%; 764,069 homozygotes.

Submissions (5):

Labcorp Genetics (formerly Invitae), Labcorp
Classification: Benign. Last evaluated: 2026-02-01. Review status: criteria provided, single submitter. Criteria: Invitae Variant Classification Sherloc (09022015). Collection method: clinical testing. Allele origin: germline.

GeneDx
Classification: Benign. Last evaluated: 2022-03-28. Review status: criteria provided, single submitter. Criteria: GeneDx Variant Classification Process June 2021. Collection method: clinical testing. Allele origin: germline. Affected: yes.

Genome-Nilou Lab
Classification: Benign for Fleck corneal dystrophy. Last evaluated: 2021-09-05. Review status: criteria provided, single submitter. Criteria: ACMG Guidelines, 2015. Collection method: clinical testing. Allele origin: germline. Affected: no.

Illumina Laboratory Services, Illumina
Classification: Benign for Fleck corneal dystrophy. Last evaluated: 2018-01-13. Review status: criteria provided, single submitter. Criteria: ICSL Variant Classification Criteria 13 December 2019. Collection method: clinical testing. Allele origin: germline.
Comment: This variant was observed in the ICSL laboratory as part of a predisposition screen in an ostensibly healthy population. It had not been previously curated by ICSL or reported in the Human Gene Mutation Database (HGMD: prior to June 1st, 2018), and was therefore a candidate for classification through an automated scoring system. Utilizing variant allele frequency, disease prevalence and penetrance estimates, and inheritance mode, an automated score was calculated to assess if this variant is too frequent to cause the disease. Based on the score and internal cut-off values, a variant classified as benign is not then subjected to further curation. The score for this variant resulted in a classification of benign for this disease.

Breakthrough Genomics
Classification: Benign. Review status: criteria provided, single submitter. Criteria: ACMG Guidelines, 2015. Collection method: not provided. Allele origin: germline. Inheritance: Autosomal dominant inheritance. Affected: yes.